The following is an entry in ClinVar:

ClinVar aggregate classification (germline): Benign. Review status: criteria provided, multiple submitters, no conflicts (2 of 4 stars). 5 submissions from 5 submitters: Benign (4). 1 of the submissions does not count toward it. Last evaluated 2026-02-02.

Conditions:
SLC27A5-related disorder. Also called: SLC27A5-related condition.

Allele frequency attached by ClinVar (database versions not stated): 1000 Genomes Project 0.16174; gnomAD exomes 0.16785; 1000 Genomes Project 30x 0.16099; gnomAD 0.16909; ESP Exome Variant Server 0.17159; TOPMed 0.17655; ExAC 0.24354.
gnomAD v4.1: 274,397 of 1,555,990 alleles (18%); highest among the groups gnomAD compares: Middle Eastern, 27%; 24,943 homozygotes.

Submissions (5):

Labcorp Genetics (formerly Invitae), Labcorp
Classification: Benign. Last evaluated: 2026-02-02. Review status: criteria provided, single submitter. Criteria: Invitae Variant Classification Sherloc (09022015). Collection method: clinical testing. Allele origin: germline.

Mayo Clinic Laboratories, Mayo Clinic
Classification: Benign. Last evaluated: 2022-05-05. Review status: criteria provided, single submitter. Criteria: ACMG Guidelines, 2015. Collection method: clinical testing. Allele origin: germline. Observed: 174 variant alleles.

Eurofins Ntd Llc (ga)
Classification: Benign. Last evaluated: 2016-02-10. Review status: criteria provided, single submitter. Criteria: EGL Classification Definitions 2015. Collection method: clinical testing. Allele origin: germline. Observed: 5 variant alleles, 5 heterozygotes.

Breakthrough Genomics
Classification: Benign. Review status: criteria provided, single submitter. Criteria: ACMG Guidelines, 2015. Collection method: not provided. Allele origin: germline. Inheritance: Unknown mechanism. Affected: yes.

PreventionGenetics, part of Exact Sciences
Classification: Benign for SLC27A5-related condition. Last evaluated: 2023-06-28. Review status: no assertion criteria provided. Collection method: clinical testing. Allele origin: germline. Not counted in ClinVar's aggregate classification.
Comment: This variant is classified as benign based on ACMG/AMP sequence variant interpretation guidelines (Richards et al. 2015 PMID: 25741868, with internal and published modifications).

NM_012254.3(SLC27A5):c.157C>T (p.Arg53Trp)

Gene: SLC27A5 (solute carrier family 27 member 5; minus strand). Cytogenetic location: 19q13.43.
Variant type: single nucleotide variant.
Coding change: c.157C>T on transcript NM_012254.3 (MANE Select); coding-DNA position 157, C replaced by T.
Protein change: p.Arg53Trp; replaces arginine 53 with tryptophan.
Molecular consequence: missense variant.
Genome position (GRCh38, 1-based): chr19:58,511,799, G>A on the plus strand (C>T on the coding strand, the complement: SLC27A5 is on the minus strand). VCF-style: chr19-58511799-G-A. GRCh37 (hg19) VCF-style: chr19-59023166-G-A.
Other names: c.157C>T, p.Arg53Trp (NM_001321196.2); c.157C>T (NM_012254.2); short protein forms R53W.
Identifiers: ClinVar variation 286343 (VCV000286343.13), dbSNP rs34415062, ClinGen allele CA9718338.
Genomic context (GRCh38, chr19:58,511,799, plus strand): 5'-GTGCCAGGGCCGCAGCTGCCAGGCTCAGCCCATGGGGCACCCAGGGGCCGAGCCAGGGCC[G>A]TGCTAACATGGCCAGCCCAAGTAGCACGCAACATGTGGGATCCCCCAGGAGCCAGCGCAG-3'
Protein context (NP_036386.1, residues 43-63): CVLLGLAMLA[Arg53Trp]PWLGPWVPHG